The following is an entry in ClinVar:

NM_000016.6(ACADM):c.387+1del

Gene: ACADM (acyl-CoA dehydrogenase medium chain; plus strand). Cytogenetic location: 1p31.1.
Variant type: Deletion.
Coding change: c.387+1del on transcript NM_000016.6 (MANE Select); the canonical splice donor site of the intron after coding-DNA position 387, one base deleted (G; older notation c.387+1delG).
Molecular consequence: splice donor variant. On other transcripts: intron variant (1).
Genome position (GRCh38, 1-based): chr1:75,733,629, G deleted; the last of 5 consecutive G bases (chr1:75,733,625-75,733,629); deleting any one gives the same sequence. VCF-style (leftmost placement, unchanged base first): chr1-75733624-TG-T. GRCh37 (hg19) VCF-style: chr1-76199309-TG-T.
Other names: c.387del (NM_000016.6); c.399+1del (NM_001127328.3); c.486+1del (NM_001286043.2); c.279+1del (NM_001286042.2); c.-100+707del (NM_001286044.2); c.387+1delG (NM_000016.5).
Identifiers: ClinVar variation 188719 (VCV000188719.72), dbSNP rs786204424, ClinGen allele CA273882.
Genomic context (GRCh38, chr1:75,733,624, plus strand): 5'-TTAGTGAAGAATTGGCTTATGGATGTACAGGGGTTCAGACTGCTATTGAAGGAAATTCTT[TG>T]GGGGTAAGTGACTTAGAAAATTAACTACCTAACTCAGCTCTTGTTAATGAGATAGTTACT-3'

ClinVar aggregate classification (germline): Conflicting classifications of pathogenicity. Review status: criteria provided, conflicting classifications (1 of 4 stars). 14 submissions from 14 submitters: Pathogenic (12); Uncertain significance (1). 1 of the submissions does not count toward it. Last evaluated 2025-10-29.

Conditions:
ACADM-related disorder. Also called: ACADM-related condition.
Medium-chain acyl-coenzyme A dehydrogenase deficiency (ACADMD). Also called: CARNITINE DEFICIENCY SECONDARY TO MEDIUM-CHAIN ACYL-CoA DEHYDROGENASE DEFICIENCY; ACADM DEFICIENCY; MCADH DEFICIENCY; Medium chain acyl-CoA dehydrogenase deficiency; MCAD Deficiency; MCADD. Identifiers: Orphanet 42, MedGen C0220710, MONDO:0008721, OMIM 201450.

Submissions (14):

Labcorp Genetics (formerly Invitae), Labcorp
Classification: Pathogenic for Medium-chain acyl-coenzyme A dehydrogenase deficiency. Last evaluated: 2025-10-29. Review status: criteria provided, single submitter. Criteria: Invitae Variant Classification Sherloc (09022015). Collection method: clinical testing. Allele origin: germline.
Comment: This sequence change affects a splice site in intron 5 of the ACADM gene. It is expected to disrupt RNA splicing. Variants that disrupt the donor or acceptor splice site typically lead to a loss of protein function (PMID: 16199547), and loss-of-function variants in ACADM are known to be pathogenic (PMID: 16121256, 20434380). This variant is present in population databases (rs754904305, gnomAD 0.006%). Disruption of this splice site has been observed in individuals with medium-chain acyl-CoA dehydrogenase deficiency (PMID: 15832312, 23028790). This variant is also known as IVS5+1delG. ClinVar contains an entry for this variant (Variation ID: 188719). For these reasons, this variant has been classified as Pathogenic.

Natera, Inc.
Classification: Pathogenic for Medium Chain Acyl-CoA Dehydrogenase Deficiency. Last evaluated: 2025-09-12. Review status: criteria provided, single submitter. Criteria: Natera Variant Classification Schema (03/2026). Collection method: clinical testing. Allele origin: germline.
Comment: The c.387+1delG variant in ACADM is a canonical splice donor site variant predicted to affect pre-mRNA splicing, which may result in an abnormal transcript and altered protein product. This variant is expected to result in nonsense mediated decay, truncation, or a dysfunctional protein product. This variant is rare in the general population with a frequency below the threshold expected for the associated phenotype(s). This variant has been observed in one or more individuals affected with the associated recessive disease, as either homozygous or compound heterozygous with a second variant (PMID: 34578803, 31033143). Given the available evidence, this variant is classified as Pathogenic.

Blueprint Genetics
Classification: Pathogenic for ACADM-related disorders. Last evaluated: 2024-10-28. Review status: criteria provided, single submitter. Criteria: ACMG Guidelines, 2015. Collection method: clinical testing. Allele origin: germline. Affected: yes. Observed: 5 variant alleles.

Baylor Genetics
Classification: Pathogenic for Medium-chain acyl-coenzyme A dehydrogenase deficiency. Last evaluated: 2024-03-26. Review status: criteria provided, single submitter. Criteria: ACMG Guidelines, 2015. Collection method: clinical testing. Allele origin: unknown.

Fulgent Genetics
Classification: Pathogenic for Medium-chain acyl-coenzyme A dehydrogenase deficiency. Last evaluated: 2024-03-25. Review status: criteria provided, single submitter. Criteria: ACMG Guidelines, 2015. Collection method: clinical testing. Allele origin: germline.

Mendelics
Classification: Pathogenic for Medium-chain acyl-coenzyme A dehydrogenase deficiency. Last evaluated: 2022-05-04. Review status: criteria provided, single submitter. Criteria: Mendelics Assertion Criteria 2019. Collection method: clinical testing. Allele origin: germline.

Revvity Omics, Revvity
Classification: Pathogenic for Medium-chain acyl-coenzyme A dehydrogenase deficiency. Last evaluated: 2021-10-13. Review status: criteria provided, single submitter. Criteria: ACMG Guidelines, 2015. Collection method: clinical testing. Allele origin: germline.

CeGaT Center for Human Genetics Tuebingen
Classification: Pathogenic. Last evaluated: 2021-08-01. Review status: criteria provided, single submitter. Criteria: CeGaT Center For Human Genetics Tuebingen Variant Classification Criteria Version 2. Collection method: clinical testing. Allele origin: germline. Affected: yes. Observed: 1 variant allele.

Women's Health and Genetics/Laboratory Corporation of America, LabCorp
Classification: Pathogenic for Medium-chain acyl-coenzyme A dehydrogenase deficiency. Last evaluated: 2019-05-17. Review status: criteria provided, single submitter. Criteria: LabCorp Variant Classification Summary - May 2015. Collection method: clinical testing. Allele origin: germline.
Comment: Variant summary: ACADM c.387+1delG is located in a canonical splice-site and is predicted to affect mRNA splicing resulting in a significantly altered protein due to either exon skipping, shortening, or inclusion of intronic material. The variant is located in a run of Gs, which results in the deletion of the last G located in a splicing region which several computational tools predict the variant to shift splicing. However, these predictions have yet to be confirmed by functional studies. The variant allele was found at a frequency of 1.6e-05 in 251398 control chromosomes (gnomAD). c.387+1delG has been reported in the literature in individuals affected with Medium Chain Acyl-CoA Dehydrogenase Deficiency (Li_2019, Maier_2005, Sturm_2012, Waddell_2006, Bentler_2016). These data indicate that the variant is likely to be associated with disease. Sturm_2012 correlated residual MCAD activities with genotypes by measuring the octanoyl-CoA oxidation in lymphocytes and found the compound heterozygote patient to have a residual activity of 7%. Two ClinVar submissions from clinical diagnostic laboratories (evaluation after 2014) cites the variant once as pathogenic and once as uncertain significance. Based on the evidence outlined above, the variant was classified as pathogenic.

Quest Diagnostics Nichols Institute San Juan Capistrano
Classification: Pathogenic. Last evaluated: 2018-10-10. Review status: criteria provided, single submitter. Criteria: Quest Diagnostics criteria. Collection method: clinical testing. Allele origin: germline.
Comment: The variant results in a shift of the reading frame, and is therefore predicted to significantly disrupt the protein structure. Found in at least one symptomatic patient, and not found in general population data.

ARUP Laboratories, Molecular Genetics and Genomics, ARUP Laboratories
Classification: Pathogenic for Medium-chain acyl-coenzyme A dehydrogenase deficiency. Last evaluated: 2018-07-11. Review status: criteria provided, single submitter. Criteria: ARUP Molecular Germline Variant Investigation Process. Collection method: clinical testing. Allele origin: germline.
Comment: The ACADM c.387+1delG variant (rs786204424), also known as IVS 5+1delG, is reported in the literature in a compound heterozygous state in individuals affected with medium-chain acyl-coenzyme A dehydrogenase deficiency (Bentler 2016, Maier 2005, Sturm 2012). This variant is reported in ClinVar (Variation ID: 188719), and is also absent from general population databases (1000 Genomes Project, Exome Variant Server, and Genome Aggregation Database), indicating it is not a common polymorphism. This variant abolishes the canonical splice donor site of intron 5, which is likely to disrupt gene function. Based on available information, this variant is considered to be pathogenic. References: Bentler K et al. 221 newborn-screened neonates with medium-chain acyl-coenzyme A dehydrogenase deficiency: Findings from the Inborn Errors of Metabolism Collaborative. Mol Genet Metab. 2016 Sep;119(1-2):75-82. Maier EM et al. Population spectrum of ACADM genotypes correlated to biochemical phenotypes in newborn screening for medium-chain acyl-CoA dehydrogenase deficiency. Hum Mutat. 2005 May;25(5):443-52. Sturm M et al. Functional effects of different medium-chain acyl-CoA dehydrogenase genotypes and identification of asymptomatic variants. PLoS One. 2012;7(9):e45110.

Eurofins Ntd Llc (ga)
Classification: Uncertain significance. Last evaluated: 2015-10-01. Review status: criteria provided, single submitter. Criteria: EGL Classification Definitions 2015. Collection method: clinical testing. Allele origin: germline. Observed: 1 variant allele, 1 heterozygote.

Juno Genomics, Hangzhou Juno Genomics, Inc
Classification: Pathogenic for Medium-chain acyl-coenzyme A dehydrogenase deficiency. Review status: criteria provided, single submitter. Criteria: ACMG Guidelines, 2015. Collection method: clinical testing. Allele origin: germline.
Comment: Absent from controls (or at extremely low frequency if recessive) in Genome Aggregation Database.;Null variant in a gene where loss of function (LOF) is a known mechanism of disease.;For recessive disorders, detected in trans with a pathogenic variant.

Counsyl
Classification: Likely pathogenic for Medium-chain acyl-coenzyme A dehydrogenase deficiency. Last evaluated: 2017-05-31. Review status: no assertion criteria provided. Collection method: clinical testing. Allele origin: unknown. Not counted in ClinVar's aggregate classification.

Literature cited by the submitters: PubMed 16199547 (cited by Labcorp Genetics (formerly Invitae), Labcorp); PubMed 16121256 (cited by Labcorp Genetics (formerly Invitae), Labcorp); PubMed 20434380 (cited by Labcorp Genetics (formerly Invitae), Labcorp); PubMed 15832312 (cited by 3 submitters); PubMed 23028790 (cited by 3 submitters); PubMed 34578803 (cited by Natera, Inc.); PubMed 31033143 (cited by Natera, Inc. and Women's Health and Genetics/Laboratory Corporation of America, LabCorp); PubMed 16291504 (cited by Women's Health and Genetics/Laboratory Corporation of America, LabCorp and Quest Diagnostics Nichols Institute San Juan Capistrano); PubMed 27308838 (cited by Women's Health and Genetics/Laboratory Corporation of America, LabCorp); PubMed 27477829 (cited by Women's Health and Genetics/Laboratory Corporation of America, LabCorp); PubMed 16763904 (cited by Quest Diagnostics Nichols Institute San Juan Capistrano); PubMed 20036593 (cited by Counsyl).